The following is an entry in ClinVar:

NM_001040424.3(PRDM15):c.692A>G (p.Gln231Arg)

Gene: PRDM15 (PR/SET domain 15; minus strand). Cytogenetic location: 21q22.3.
Variant type: single nucleotide variant.
Coding change: c.692A>G on transcript NM_001040424.3 (MANE Select); coding-DNA position 692, A replaced by G.
Protein change: p.Gln231Arg; replaces glutamine 231 with arginine.
Molecular consequence: missense variant. On other transcripts: non-coding transcript variant (4).
Genome position (GRCh38, 1-based): chr21:41,839,802, T>C on the plus strand (A>G on the coding strand, the complement: PRDM15 is on the minus strand). VCF-style: chr21-41839802-T-C. GRCh37 (hg19) VCF-style: chr21-43259911-T-C.
Other names: c.692A>G, p.Gln231Arg (NM_001282934.2); c.890A>G, p.Gln297Arg (NM_022115.7); short protein forms Q297R, Q231R.
Identifiers: ClinVar variation 2363959 (VCV002363959.3), dbSNP rs201285981, ClinGen allele CA10036955.
Genomic context (GRCh38, chr21:41,839,802, plus strand): 5'-ACTGCAGGGGGTTCCCCCCGGGGTGTGTCCTGCTCCTTCTCGGGAGCTGCTGCCTCGCTT[T>C]GGCTGCCTGGAGGAAGGCTTTTGGCTTGTTCTAAGTGGCCCAACAGATGTTCTGCAAAGA-3'
Protein context (NP_001035514.2, residues 221-241): EQAKSLPPGS[Gln231Arg]SEAAAPEKEQ

ClinVar aggregate classification (germline): Uncertain significance (1 of 4 stars; one submission).

Allele frequency attached by ClinVar (database versions not stated): gnomAD exomes 0.00041; TOPMed 0.00030; ESP Exome Variant Server 0.00046; ExAC 0.00020; gnomAD 0.00026.
gnomAD v4.1: 633 of 1,614,148 alleles (0.039%); highest among the groups gnomAD compares: Non-Finnish European, 0.051%; no homozygotes.

Submission:

Ambry Genetics
Classification: Uncertain significance. Last evaluated: 2026-07-31. Review status: criteria provided, single submitter. Criteria: Ambry Variant Classification Scheme 2023. Collection method: clinical testing. Allele origin: germline.
Comment: The c.1790A>G (p.Q597R) alteration is located in exon 14 (coding exon 14) of the PRDM15 gene. This alteration results from a A to G substitution at nucleotide position 1790, causing the glutamine (Q) at amino acid position 597 to be replaced by an arginine (R). Based on data from gnomAD, the G allele has an overall frequency of 0.02% (56/282546) total alleles studied. The highest observed frequency was 0.037% (48/128852) of European (non-Finnish) alleles. Based on insufficient or conflicting evidence, the clinical significance of this alteration remains unclear.